The following is an entry in ClinVar:

NM_000020.3(ACVRL1):c.1117A>T (p.Lys373Ter)

Gene: ACVRL1 (activin A receptor like type 1; plus strand). Cytogenetic location: 12q13.13.
Variant type: single nucleotide variant.
Coding change: c.1117A>T on transcript NM_000020.3 (MANE Select); coding-DNA position 1117, A replaced by T.
Protein change: p.Lys373Ter; replaces lysine 373 with a stop codon.
Molecular consequence: nonsense. On other transcripts: intron variant (1).
Genome position (GRCh38, 1-based): chr12:51,916,104, A>T. VCF-style: chr12-51916104-A-T. GRCh37 (hg19) VCF-style: chr12-52309888-A-T.
Other names: c.1117A>T, p.Lys373Ter (NM_001077401.2, NM_001406487.1, NM_001406488.1 and 1 more transcripts); c.805A>T, p.Lys269Ter (NM_001406490.1, NM_001406491.1, NM_001406492.1 and 1 more transcripts); c.553A>T, p.Lys185Ter (NM_001406495.1); c.736+604A>T (NM_001406494.1); short protein forms K185*, K269*, K373*.
Identifiers: ClinVar variation 5041961 (VCV005041961.1).

ClinVar aggregate classification (germline): Likely pathogenic (1 of 4 stars; one submission).

Conditions:
Telangiectasia, hereditary hemorrhagic, type 2 (HHT2). Also called: ACVRL1-Related Hereditary Hemorrhagic Telangiectasia; Telangiectasia, hereditary hemorrhagic, type II. Identifiers: Orphanet 774, MedGen C1838163, MONDO:0010880, OMIM 600376. Disease mechanism: loss of function.

Submission:

Medical Genetics Unit, Mauro Baschirotto Institute for Rare Disease
Classification: Likely pathogenic for Telangiectasia, hereditary hemorrhagic, type 2. Last evaluated: 2026-10-06. Review status: criteria provided, single submitter. Criteria: ACMG Guidelines, 2015. Collection method: clinical testing. Allele origin: germline. Affected: yes.
Comment: NM_000020.3(ACVRL1):c.1117A>T, p.(Lys373Ter), is a nonsense variant in exon 8 predicted to introduce a premature termination codon at codon 373 of the ACVRL1 protein, with a CADD score of 41.0, and cause loss of function, most likely through nonsense-mediated decay. ACVRL1 encodes activin receptor-like kinase 1 (ALK1), a type I serine/threonine kinase receptor involved in TGF-beta/BMP signaling and vascular development. Loss of function is an established disease mechanism for hereditary hemorrhagic telangiectasia type 2 (HHT2). This variant meets the criteria for PVS1 since it is a predicted loss-of function nonsense variant in a gene for which loss of function is an established disease mechanism. This variant shows extremely low frequency in gnomAD population databases (PM2). The proposed ACMG classification for this variant is Likely Pathogenic.